The following is an entry in ClinVar:

ClinVar aggregate classification (germline): Likely benign (1 of 4 stars; one submission).

Submission:

CeGaT Center for Human Genetics Tuebingen
Classification: Likely benign. Last evaluated: 2026-09-01. Review status: criteria provided, single submitter. Criteria: CeGaT Center For Human Genetics Tuebingen Variant Classification Criteria Version 2. Collection method: clinical testing. Allele origin: germline. Affected: yes. Observed: 3 variant alleles.
Comment: MED12L: BP4, BS1

NM_001393769.1(MED12L):c.99+6G>A

Gene: MED12L (mediator complex subunit 12L; plus strand). Cytogenetic location: 3q25.1.
Variant type: single nucleotide variant.
Coding change: c.99+6G>A on transcript NM_001393769.1 (MANE Select); 6 bases into the intron after coding-DNA position 99, G replaced by A.
Molecular consequence: intron variant.
Genome position (GRCh38, 1-based): chr3:151,087,031, G>A. VCF-style: chr3-151087031-G-A. GRCh37 (hg19) VCF-style: chr3-150804818-G-A.
Other names: c.99+6G>A (NM_053002.6).
Identifiers: ClinVar variation 4872599 (VCV004872599.2).